The following is an entry in ClinVar:

ClinVar aggregate classification (germline): Uncertain significance (1 of 4 stars; one submission).

Conditions:
Wilms tumor 6 (WT6). Also called: WILMS TUMOR 6, SUSCEPTIBILITY TO. Identifiers: Orphanet 654, MedGen C3891301, MONDO:0014779, OMIM 616806.

Submission:

St. Jude Molecular Pathology, St. Jude Children's Research Hospital
Classification: Uncertain significance for Wilms tumor 6. Last evaluated: 2024-09-16. Review status: criteria provided, single submitter. Criteria: St. Jude Assertion Criteria 2020. Collection method: clinical testing. Allele origin: germline.
Comment: The REST c.439G>A (p.Ala147Thr) missense change is absent in gnomAD v2.1.1. The in silico tool REVEL predicts a benign effect on protein function, but to our knowledge this prediction has not been confirmed by functional studies. To our knowledge, this variant has not been reported in individuals with Wilms tumor. In summary, the evidence currently available is insufficient to determine the clinical significance of this variant. It has therefore been classified as of uncertain significance.

NM_005612.5(REST):c.439G>A (p.Ala147Thr)

Gene: REST (RE1 silencing transcription factor; plus strand). Cytogenetic location: 4q12.
Variant type: single nucleotide variant.
Coding change: c.439G>A on transcript NM_005612.5 (MANE Select); coding-DNA position 439, G replaced by A.
Protein change: p.Ala147Thr; replaces alanine 147 with threonine.
Molecular consequence: missense variant.
Genome position (GRCh38, 1-based): chr4:56,911,077, G>A. VCF-style: chr4-56911077-G-A. GRCh37 (hg19) VCF-style: chr4-57777243-G-A.
Other names: c.439G>A, p.Ala147Thr (NM_001193508.2, NM_001363453.3); short protein forms A147T.
Identifiers: ClinVar variation 3602695 (VCV003602695.1).